The following is an entry in ClinVar:

NM_003718.5(CDK13):c.1226C>A (p.Ser409Tyr)

Gene: CDK13 (cyclin dependent kinase 13; plus strand). Cytogenetic location: 7p14.1.
Variant type: single nucleotide variant.
Coding change: c.1226C>A on transcript NM_003718.5 (MANE Select); coding-DNA position 1226, C replaced by A.
Protein change: p.Ser409Tyr; replaces serine 409 with tyrosine.
Molecular consequence: missense variant.
Genome position (GRCh38, 1-based): chr7:39,987,613, C>A. VCF-style: chr7-39987613-C-A. GRCh37 (hg19) VCF-style: chr7-40027212-C-A.
Other names: c.1226C>A, p.Ser409Tyr (NM_031267.4); short protein forms S409Y.
Identifiers: ClinVar variation 3343212 (VCV003343212.1).
Genomic context (GRCh38, chr7:39,987,613, plus strand): 5'-TGAACCTTTCTCAATTACTGATTAAATCTTAATTATTTCTCACCAGACGGTCTGGAAAAT[C>A]CCGAAGCAGAAGCCCGTATTCATCTAGGCATTCAAGATCTCGTAGCAGGCACAGATTGTC-3'
Protein context (NP_003709.3, residues 399-419): YSPVLRRSGK[Ser409Tyr]RSRSPYSSRH

ClinVar aggregate classification (germline): Uncertain significance (1 of 4 stars; one submission).

Submission:

GeneDx
Classification: Uncertain significance. Last evaluated: 2023-05-01. Review status: criteria provided, single submitter. Criteria: GeneDx Variant Classification Process June 2021. Collection method: clinical testing. Allele origin: germline. Affected: yes.
Comment: Not observed at significant frequency in large population cohorts (gnomAD); In silico analysis supports that this missense variant has a deleterious effect on protein structure/function; Has not been previously published as pathogenic or benign to our knowledge